The following is an entry in ClinVar:

NM_005184.4(CALM3):c.388G>A (p.Asp130Asn)

Gene: CALM3 (calmodulin 3; plus strand). Cytogenetic location: 19q13.32.
Variant type: single nucleotide variant.
Coding change: c.388G>A on transcript NM_005184.4 (MANE Select); coding-DNA position 388, G replaced by A.
Protein change: p.Asp130Asn; replaces aspartic acid 130 with asparagine.
Molecular consequence: missense variant.
Genome position (GRCh38, 1-based): chr19:46,608,948, G>A. VCF-style: chr19-46608948-G-A. GRCh37 (hg19) VCF-style: chr19-47112205-G-A.
Other names: c.280G>A, p.Asp94Asn (NM_001329921.1, NM_001329923.1, NM_001329924.2 and 2 more transcripts); c.388G>A, p.Asp130Asn (NM_001329922.1); short protein forms D130N, D94N.
Identifiers: ClinVar variation 4868136 (VCV004868136.1).
Genomic context (GRCh38, chr19:46,608,948, plus strand): 5'-ATGACGAACCTGGGGGAGAAGCTGACCGATGAGGAGGTGGATGAGATGATCAGGGAGGCT[G>A]ACATCGATGGAGATGGCCAGGTCAATTATGAAGGTGAGTCAAGGCCAGGCTTGATCTCTG-3'
Protein context (NP_005175.2, residues 120-140): EEVDEMIREA[Asp130Asn]IDGDGQVNYE

ClinVar aggregate classification (germline): Uncertain significance (1 of 4 stars; one submission).

Conditions:
Cardiovascular phenotype. Identifiers: MedGen CN230736.

Submission:

Ambry Genetics
Classification: Uncertain significance for Cardiovascular phenotype. Last evaluated: 2026-04-13. Review status: criteria provided, single submitter. Criteria: Ambry Variant Classification Scheme 2023. Collection method: clinical testing. Allele origin: germline.
Comment: The p.D130N variant (also known as c.388G>A), located in coding exon 5 of the CALM3 gene, results from a G to A substitution at nucleotide position 388. The aspartic acid at codon 130 is replaced by asparagine, an amino acid with highly similar properties. This variant was reported in individual(s) with features consistent with long QT syndrome (Crotti L et al. Eur Heart J, 2023 Sep;44:3357-3370; Ambry internal data). This amino acid position is highly conserved in available vertebrate species. In addition, the in silico prediction for this alteration is inconclusive. Based on the available evidence, the clinical significance of this variant remains unclear.

Literature cited by the submitters: PubMed 17473011; PubMed 37528649.